The following is an entry in ClinVar:

NM_018089.3(ANKZF1):c.1286A>G (p.Glu429Gly)

Gene: ANKZF1 (ankyrin repeat and zinc finger peptidyl tRNA hydrolase 1; plus strand). Cytogenetic location: 2q35.
Variant type: single nucleotide variant.
Coding change: c.1286A>G on transcript NM_018089.3 (MANE Select); coding-DNA position 1286, A replaced by G.
Protein change: p.Glu429Gly; replaces glutamic acid 429 with glycine.
Molecular consequence: missense variant.
Genome position (GRCh38, 1-based): chr2:219,234,907, A>G. VCF-style: chr2-219234907-A-G. GRCh37 (hg19) VCF-style: chr2-220099629-A-G.
Other names: c.1286A>G, p.Glu429Gly (NM_001042410.2); c.656A>G, p.Glu219Gly (NM_001282792.2); short protein forms E429G, E219G.
Identifiers: ClinVar variation 2184759 (VCV002184759.4), dbSNP rs1486770424, ClinGen allele CA350679998.
Genomic context (GRCh38, chr2:219,234,907, plus strand): 5'-ATGGCTTTCAGGTAGAGTTGGAGCTAGTGGAGTTGACTGTGGGGACTCTGGATCTTTGTG[A>G]GTCTGAAGTATTGCCCAAGCGGAGGAGGAGAAAAAGGAATAAGAAGGAGAAAAGCCGAGA-3'
Protein context (NP_060559.2, residues 419-439): ELTVGTLDLC[Glu429Gly]SEVLPKRRRR

ClinVar aggregate classification (germline): Uncertain significance (1 of 4 stars; one submission).

Allele frequency attached by ClinVar (database versions not stated): gnomAD exomes below 0.00001.
gnomAD v4.1: 1 of 1,614,140 alleles (0.000062%); highest among the groups gnomAD compares: Admixed American, 0.0017%; no homozygotes.

Submission:

Labcorp Genetics (formerly Invitae), Labcorp
Classification: Uncertain significance. Last evaluated: 2024-08-01. Review status: criteria provided, single submitter. Criteria: Invitae Variant Classification Sherloc (09022015). Collection method: clinical testing. Allele origin: germline.
Comment: This sequence change replaces glutamic acid, which is acidic and polar, with glycine, which is neutral and non-polar, at codon 429 of the ANKZF1 protein (p.Glu429Gly). This variant is present in population databases (no rsID available, gnomAD 0.003%). This variant has not been reported in the literature in individuals affected with ANKZF1-related conditions. ClinVar contains an entry for this variant (Variation ID: 2184759). An algorithm developed to predict the effect of missense changes on protein structure and function (PolyPhen-2) suggests that this variant is likely to be disruptive. In summary, the available evidence is currently insufficient to determine the role of this variant in disease. Therefore, it has been classified as a Variant of Uncertain Significance.